The following is an entry in ClinVar:

ClinVar aggregate classification (germline): Uncertain significance. Review status: criteria provided, multiple submitters, no conflicts (2 of 4 stars). 2 submissions from 2 submitters: Uncertain significance (2). Last evaluated 2025-05-19.

Conditions:
MAGEL2-related disorder. Also called: MAGEL2-related condition.

Allele frequency attached by ClinVar (database versions not stated): TOPMed below 0.00001; gnomAD exomes 0.00002; gnomAD 0.00003; ExAC 0.00012.
gnomAD v4.1: 34 of 1,586,360 alleles (0.0021%); highest among the groups gnomAD compares: Middle Eastern, 0.017%; no homozygotes.

Submissions (2):

PreventionGenetics, part of Exact Sciences
Classification: Uncertain significance for MAGEL2-related condition. Last evaluated: 2025-05-19. Review status: criteria provided, single submitter. Criteria: ACMG Guidelines, 2015. Collection method: clinical testing. Allele origin: germline.
Comment: The MAGEL2 c.2110G>A variant is predicted to result in the amino acid substitution p.Ala704Thr. To our knowledge, this variant has not been reported in the literature. This variant is reported in 0.018% of alleles in individuals of European (Finnish) descent in gnomAD. At this time, the clinical significance of this variant is uncertain due to the absence of conclusive functional and genetic evidence.

Labcorp Genetics (formerly Invitae), Labcorp
Classification: Uncertain significance. Last evaluated: 2024-10-23. Review status: criteria provided, single submitter. Criteria: Invitae Variant Classification Sherloc (09022015). Collection method: clinical testing. Allele origin: germline.
Comment: This sequence change replaces alanine, which is neutral and non-polar, with threonine, which is neutral and polar, at codon 704 of the MAGEL2 protein (p.Ala704Thr). The frequency data for this variant in the population databases is considered unreliable, as metrics indicate poor data quality at this position in the gnomAD database. This variant has not been reported in the literature in individuals affected with MAGEL2-related conditions. ClinVar contains an entry for this variant (Variation ID: 2187015). Invitae Evidence Modeling of protein sequence and biophysical properties (such as structural, functional, and spatial information, amino acid conservation, physicochemical variation, residue mobility, and thermodynamic stability) indicates that this missense variant is not expected to disrupt MAGEL2 protein function with a negative predictive value of 80%. In summary, the available evidence is currently insufficient to determine the role of this variant in disease. Therefore, it has been classified as a Variant of Uncertain Significance.

NM_019066.5(MAGEL2):c.2110G>A (p.Ala704Thr)

Gene: MAGEL2 (MAGE family member L2; minus strand). Cytogenetic location: 15q11.2.
Variant type: single nucleotide variant.
Coding change: c.2110G>A on transcript NM_019066.5 (MANE Select); coding-DNA position 2110, G replaced by A.
Protein change: p.Ala704Thr; replaces alanine 704 with threonine.
Molecular consequence: missense variant.
Genome position (GRCh38, 1-based): chr15:23,645,633, C>T on the plus strand (G>A on the coding strand, the complement: MAGEL2 is on the minus strand). VCF-style: chr15-23645633-C-T. GRCh37 (hg19) VCF-style: chr15-23890780-C-T.
Other names: c.2110G>A (NM_019066.4); short protein forms A704T.
Identifiers: ClinVar variation 2187015 (VCV002187015.6), dbSNP rs763458440, ClinGen allele CA7429961.